The following is an entry in ClinVar:

ClinVar aggregate classification (germline): Uncertain significance. Review status: criteria provided, multiple submitters, no conflicts (2 of 4 stars). 4 submissions from 4 submitters: Uncertain significance (4). Last evaluated 2025-06-10.

Conditions:
Hypercholesterolemia, autosomal dominant, 3 (FHCL3). Also called: Familial Hypercholesterolemia, Autosomal Dominant, 3; PCSK9-Related Familial Hypercholesterolemia, Autosomal Dominant; Familial hypercholesterolemia 3. Identifiers: MedGen C1863551, MONDO:0011369, OMIM 603776.
Cardiovascular phenotype. Identifiers: MedGen CN230736.

Allele frequency attached by ClinVar (database versions not stated): gnomAD exomes below 0.00001.
gnomAD v4.1: 4 of 1,575,026 alleles (0.00025%); highest among the groups gnomAD compares: South Asian, 0.0012%; no homozygotes.

Submissions (4):

Labcorp Genetics (formerly Invitae), Labcorp
Classification: Uncertain significance for Hypercholesterolemia, autosomal dominant, 3. Last evaluated: 2025-06-10. Review status: criteria provided, single submitter. Criteria: Invitae Variant Classification Sherloc (09022015). Collection method: clinical testing. Allele origin: germline.
Comment: This sequence change replaces aspartic acid, which is acidic and polar, with glutamic acid, which is acidic and polar, at codon 37 of the PCSK9 protein (p.Asp37Glu). This variant is not present in population databases (gnomAD no frequency). This variant has not been reported in the literature in individuals affected with PCSK9-related conditions. ClinVar contains an entry for this variant (Variation ID: 1797190). Invitae Evidence Modeling of protein sequence and biophysical properties (such as structural, functional, and spatial information, amino acid conservation, physicochemical variation, residue mobility, and thermodynamic stability) indicates that this missense variant is not expected to disrupt PCSK9 protein function with a negative predictive value of 95%. In summary, the available evidence is currently insufficient to determine the role of this variant in disease. Therefore, it has been classified as a Variant of Uncertain Significance.

Ambry Genetics
Classification: Uncertain significance for Cardiovascular phenotype. Last evaluated: 2024-11-23. Review status: criteria provided, single submitter. Criteria: Ambry Variant Classification Scheme 2023. Collection method: clinical testing. Allele origin: germline.
Comment: The p.D37E variant (also known as c.111C>A), located in coding exon 1 of the PCSK9 gene, results from a C to A substitution at nucleotide position 111. The aspartic acid at codon 37 is replaced by glutamic acid, an amino acid with highly similar properties. This amino acid position is conserved. In addition, this alteration is predicted to be tolerated by in silico analysis. Since supporting evidence is limited at this time, the clinical significance of this alteration remains unclear.

All of Us Research Program, National Institutes of Health
Classification: Uncertain significance for Hypercholesterolemia, autosomal dominant, 3. Last evaluated: 2023-07-19. Review status: criteria provided, single submitter. Criteria: ACMG Guidelines, 2015. Collection method: clinical testing. Allele origin: germline. Inheritance: Autosomal dominant inheritance. Observed: 1 variant allele, 1 heterozygote.
Comment: This missense variant replaces aspartic acid with glutamic acid at codon 37 of the PCSK9 protein. Computational prediction suggests that this variant may not impact protein structure and function (internally defined REVEL score threshold <= 0.5, PMID: 27666373). To our knowledge, functional studies have not been reported for this variant. This variant has not been reported in individuals affected with PCSK9-related disorders in the literature. This variant has not been identified in the general population by the Genome Aggregation Database (gnomAD). The available evidence is insufficient to determine the role of this variant in disease conclusively. Therefore, this variant is classified as a Variant of Uncertain Significance.

This study involves interpretation of variants in research participants for the purpose of population health screening. Participant phenotype was not available at the time of variant classification. Additional details can be found in publication PMID: 35346344, PMCID: PMC8962531

Mayo Clinic Laboratories, Mayo Clinic
Classification: Uncertain significance. Last evaluated: 2022-11-23. Review status: criteria provided, single submitter. Criteria: ACMG Guidelines, 2015. Collection method: clinical testing. Allele origin: germline. Observed: 1 variant allele.
Comment: BP4, PM2_supporting

NM_174936.4(PCSK9):c.111C>A (p.Asp37Glu)

Gene: PCSK9 (proprotein convertase subtilisin/kexin type 9; plus strand). Cytogenetic location: 1p32.3.
Variant type: single nucleotide variant.
Coding change: c.111C>A on transcript NM_174936.4 (MANE Select); coding-DNA position 111, C replaced by A.
Protein change: p.Asp37Glu; replaces aspartic acid 37 with glutamic acid.
Molecular consequence: missense variant.
Genome position (GRCh38, 1-based): chr1:55,039,948, C>A. VCF-style: chr1-55039948-C-A. GRCh37 (hg19) VCF-style: chr1-55505621-C-A.
Other names: p.Asp37Glu; c.111C>A, p.Asp37Glu (NM_001407240.1, NM_001407241.1, NM_001407242.1 and 4 more transcripts); c.-624C>A (NM_001407246.1); short protein forms D37E.
Identifiers: ClinVar variation 1797190 (VCV001797190.7), dbSNP rs1210705445, ClinGen allele CA340482796.
Genomic context (GRCh38, chr1:55,039,948, plus strand): 5'-GCTGCTGCTGCTGCTCCTGGGTCCCGCGGGCGCCCGTGCGCAGGAGGACGAGGACGGCGA[C>A]TACGAGGAGCTGGTGCTAGCCTTGCGTTCCGAGGAGGACGGCCTGGCCGAAGCACCCGAG-3'
Protein context (NP_777596.2, residues 27-47): GARAQEDEDG[Asp37Glu]YEELVLALRS